The following is an entry in ClinVar:

ClinVar aggregate classification (germline): Uncertain significance (1 of 4 stars; one submission).

Conditions:
Inborn genetic diseases. Identifiers: MedGen C0950123, MeSH D030342.

gnomAD v4.1: 1 of 1,614,116 alleles (0.000062%); highest among the groups gnomAD compares: Non-Finnish European, 0.000085%; no homozygotes.

Submission:

Ambry Genetics
Classification: Uncertain significance for Inborn genetic diseases. Last evaluated: 2024-12-02. Review status: criteria provided, single submitter. Criteria: Ambry Variant Classification Scheme 2023. Collection method: clinical testing. Allele origin: germline.
Comment: The p.S55R variant (also known as c.165C>G), located in coding exon 1 of the ANKRD26 gene, results from a C to G substitution at nucleotide position 165. The serine at codon 55 is replaced by arginine, an amino acid with dissimilar properties. This amino acid position is conserved. In addition, this alteration is predicted to be tolerated by in silico analysis. Based on the available evidence, the clinical significance of this variant remains unclear.

NM_014915.3(ANKRD26):c.165C>G (p.Ser55Arg)

Genes: ANKRD26 (ankyrin repeat domain containing 26; minus strand), LOC130003554 (ATAC-STARR-seq lymphoblastoid silent region 2243; plus strand). Cytogenetic location: 10p12.1.
Variant type: single nucleotide variant.
Coding change: c.165C>G on transcript NM_014915.3 (MANE Select); coding-DNA position 165, C replaced by G.
Protein change: p.Ser55Arg; replaces serine 55 with arginine.
Molecular consequence: missense variant.
Genome position (GRCh38, 1-based): chr10:27,100,162, G>C on the plus strand (C>G on the coding strand, the complement: ANKRD26 is on the minus strand). VCF-style: chr10-27100162-G-C. GRCh37 (hg19) VCF-style: chr10-27389091-G-C.
Other names: c.165C>G, p.Ser55Arg (NM_001256053.2); short protein forms S55R.
Identifiers: ClinVar variation 3397064 (VCV003397064.1).
Genomic context (GRCh38, chr10:27,100,162, plus strand): 5'-ATCGTTCAAGCCATTCTTCCTGAGCAAAAGGATCTGCTGCACTTTCGCCACATTACCCGC[G>C]CTGGCAGCTTTGTGGATCTTGCCGAGATCTCGGTCTCGGACGTGGTAGCCGGGCTGCGAG-3'
Protein context (NP_055730.2, residues 45-65): RDLGKIHKAA[Ser55Arg]AGNVAKVQQI